The following is an entry in ClinVar:

ClinVar aggregate classification (germline): Uncertain significance (1 of 4 stars; one submission).

Allele frequency attached by ClinVar (database versions not stated): gnomAD exomes below 0.00001.

Submission:

Labcorp Genetics (formerly Invitae), Labcorp
Classification: Uncertain significance. Last evaluated: 2022-10-17. Review status: criteria provided, single submitter. Criteria: Invitae Variant Classification Sherloc (09022015). Collection method: clinical testing. Allele origin: germline.
Comment: This sequence change replaces isoleucine, which is neutral and non-polar, with valine, which is neutral and non-polar, at codon 799 of the OGT protein (p.Ile799Val). In summary, the available evidence is currently insufficient to determine the role of this variant in disease. Therefore, it has been classified as a Variant of Uncertain Significance. Advanced modeling of protein sequence and biophysical properties (such as structural, functional, and spatial information, amino acid conservation, physicochemical variation, residue mobility, and thermodynamic stability) performed at Invitae indicates that this missense variant is not expected to disrupt OGT protein function. This variant has not been reported in the literature in individuals affected with OGT-related conditions. This variant is not present in population databases (gnomAD no frequency).

NM_181672.3(OGT):c.2395A>G (p.Ile799Val)

Gene: OGT (O-linked N-acetylglucosamine (GlcNAc) transferase; plus strand). Cytogenetic location: Xq13.1.
Variant type: single nucleotide variant.
Coding change: c.2395A>G on transcript NM_181672.3 (MANE Select); coding-DNA position 2395, A replaced by G.
Protein change: p.Ile799Val; replaces isoleucine 799 with valine.
Molecular consequence: missense variant.
Genome position (GRCh38, 1-based): chrX:71,563,458, A>G. VCF-style: chrX-71563458-A-G. GRCh37 (hg19) VCF-style: chrX-70783308-A-G.
Other names: c.2365A>G, p.Ile789Val (NM_181673.3); short protein forms I789V, I799V.
Identifiers: ClinVar variation 2005900 (VCV002005900.4), dbSNP rs2522854707, ClinGen allele CA413565515.
Genomic context (GRCh38, chrX:71,563,458, plus strand): 5'-ATGAATACTATTGCAGAAGCAGTTATTGAAATGATTAACCGAGGACAGATTCAAATAACA[A>G]TTAATGGATTCAGTATTAGCAATGGACTGGCAACTACTCAGGTGAGAAGATAATAATACA-3'
Protein context (NP_858058.1, residues 789-809): MINRGQIQIT[Ile799Val]NGFSISNGLA